The following is an entry in ClinVar:

ClinVar aggregate classification (germline): Conflicting classifications of pathogenicity. Review status: criteria provided, conflicting classifications (1 of 4 stars). 5 submissions from 5 submitters: Uncertain significance (1); Benign (1); Likely benign (3). Last evaluated 2026-01-04.

Conditions:
Tuberous sclerosis syndrome (TSC). Also called: Tuberous sclerosis; Tuberous Sclerosis Complex. Identifiers: Orphanet 805, MedGen C0041341, MONDO:0001734.
Hereditary cancer-predisposing syndrome. Also called: Hereditary Cancer Syndrome; Tumor predisposition; Neoplastic Syndromes, Hereditary; Hereditary neoplastic syndrome. Identifiers: Orphanet 140162, MedGen C0027672, MeSH D009386, MONDO:0015356.
Tuberous sclerosis 2 (TSC2). Identifiers: Orphanet 805, MedGen C1860707, MONDO:0013199, OMIM 613254.

Allele frequency attached by ClinVar (database versions not stated): gnomAD 0.00001; gnomAD exomes 0.00001; TOPMed 0.00002; ExAC 0.00001.
gnomAD v4.1: 5 of 1,607,676 alleles (0.00031%); highest among the groups gnomAD compares: African/African-American, 0.004%; no homozygotes.

Submissions (5):

Labcorp Genetics (formerly Invitae), Labcorp
Classification: Benign for Tuberous sclerosis 2. Last evaluated: 2026-01-04. Review status: criteria provided, single submitter. Criteria: Invitae Variant Classification Sherloc (09022015). Collection method: clinical testing. Allele origin: germline.

Color Diagnostics, LLC DBA Color Health
Classification: Likely benign for Tuberous sclerosis syndrome. Last evaluated: 2025-07-11. Review status: criteria provided, single submitter. Criteria: ACMG Guidelines, 2015. Collection method: clinical testing. Allele origin: germline.

Ambry Genetics
Classification: Uncertain significance for Hereditary cancer-predisposing syndrome. Last evaluated: 2023-12-26. Review status: criteria provided, single submitter. Criteria: Ambry Variant Classification Scheme 2023. Collection method: clinical testing. Allele origin: germline.
Comment: The p.R451K variant (also known as c.1352G>A), located in coding exon 12 of the TSC2 gene, results from a G to A substitution at nucleotide position 1352. The arginine at codon 451 is replaced by lysine, an amino acid with highly similar properties. This amino acid position is not well conserved in available vertebrate species. In addition, the in silico prediction for this alteration is inconclusive. Since supporting evidence is limited at this time, the clinical significance of this alteration remains unclear.

Genome-Nilou Lab
Classification: Likely benign for Tuberous sclerosis 2. Last evaluated: 2021-11-07. Review status: criteria provided, single submitter. Criteria: ACMG Guidelines, 2015. Collection method: clinical testing. Allele origin: germline. Affected: no.

GeneDx
Classification: Likely benign. Last evaluated: 2018-05-24. Review status: criteria provided, single submitter. Criteria: GeneDx Variant Classification (06012015). Collection method: clinical testing. Allele origin: germline. Affected: yes.
Comment: This variant is considered likely benign or benign based on one or more of the following criteria: it is a conservative change, it occurs at a poorly conserved position in the protein, it is predicted to be benign by multiple in silico algorithms, and/or has population frequency not consistent with disease.

NM_000548.5(TSC2):c.1352G>A (p.Arg451Lys)

Gene: TSC2 (TSC complex subunit 2; plus strand). Cytogenetic location: 16p13.3.
Variant type: single nucleotide variant.
Coding change: c.1352G>A on transcript NM_000548.5 (MANE Select); coding-DNA position 1352, G replaced by A.
Protein change: p.Arg451Lys; replaces arginine 451 with lysine.
Molecular consequence: missense variant.
Genome position (GRCh38, 1-based): chr16:2,062,591, G>A. VCF-style: chr16-2062591-G-A. GRCh37 (hg19) VCF-style: chr16-2112592-G-A.
Other names: c.1352G>A, p.Arg451Lys (NM_001077183.3, NM_001114382.3, NM_001363528.2 and 3 more transcripts); c.1241G>A, p.Arg414Lys (NM_001318827.2); c.1205G>A, p.Arg402Lys (NM_001318829.2); c.752G>A, p.Arg251Lys (NM_001318831.2); c.1385G>A, p.Arg462Lys (NM_001318832.2); short protein forms R251K, R451K, R462K, R402K, R414K.
Identifiers: ClinVar variation 647792 (VCV000647792.18), dbSNP rs749780677, ClinGen allele CA029408.
Genomic context (GRCh38, chr16:2,062,591, plus strand): 5'-CGCAGTCCATCCACCCGGCCAAGGACGGCTGGATTCAGAACCTGCAGGCGCTGATGGAGA[G>A]ATTCTTCAGGTAGGGGGTCCTCTGTAGCCTTGCCTGGCACCTGGAGCCTGGCCCTGTCTC-3'
Protein context (NP_000539.2, residues 441-461): WIQNLQALME[Arg451Lys]FFRSESRGAV